The following is an entry in ClinVar:

NM_000094.4(COL7A1):c.7689C>A (p.Gly2563=)

Gene: COL7A1 (collagen type VII alpha 1 chain; minus strand). Cytogenetic location: 3p21.31.
Variant type: single nucleotide variant.
Coding change: c.7689C>A on transcript NM_000094.4 (MANE Select); coding-DNA position 7689, C replaced by A.
Protein change: p.Gly2563=; no amino-acid change (glycine 2563 retained).
Molecular consequence: synonymous variant.
Genome position (GRCh38, 1-based): chr3:48,568,853, G>T on the plus strand (C>A on the coding strand, the complement: COL7A1 is on the minus strand). VCF-style: chr3-48568853-G-T. GRCh37 (hg19) VCF-style: chr3-48606286-G-T.
Identifiers: ClinVar variation 1152888 (VCV001152888.11), dbSNP rs779995041, ClinGen allele CA2378345.

ClinVar aggregate classification (germline): Likely benign. Review status: criteria provided, multiple submitters, no conflicts (2 of 4 stars). 2 submissions from 2 submitters: Likely benign (2). Last evaluated 2026-04-01.

gnomAD v4.1: 10 of 1,573,682 alleles (0.00064%); highest among the groups gnomAD compares: Middle Eastern, 0.017%; no homozygotes.

Submissions (2):

CeGaT Center for Human Genetics Tuebingen
Classification: Likely benign. Last evaluated: 2026-04-01. Review status: criteria provided, single submitter. Criteria: CeGaT Center For Human Genetics Tuebingen Variant Classification Criteria Version 2. Collection method: clinical testing. Allele origin: germline. Affected: yes. Observed: 2 variant alleles.
Comment: COL7A1: BP4, BP7

Labcorp Genetics (formerly Invitae), Labcorp
Classification: Likely benign. Last evaluated: 2025-07-16. Review status: criteria provided, single submitter. Criteria: Invitae Variant Classification Sherloc (09022015). Collection method: clinical testing. Allele origin: germline.